The following is an entry in ClinVar:

ClinVar aggregate classification (germline): Uncertain significance (1 of 4 stars; one submission).

gnomAD v4.1: 2 of 1,518,556 alleles (0.00013%); highest among the groups gnomAD compares: Non-Finnish European, 0.00018%; no homozygotes.

Submission:

GeneDx
Classification: Uncertain significance. Last evaluated: 2026-02-18. Review status: criteria provided, single submitter. Criteria: GeneDx Variant Classification Process June 2021. Collection method: clinical testing. Allele origin: germline.
Comment: Not observed at significant frequency in large population cohorts (gnomAD); In silico analysis suggests that this missense variant does not alter protein structure/function; Has not been previously published as pathogenic or benign to our knowledge

NM_001195605.2(ZNF865):c.2566C>G (p.Arg856Gly)

Gene: ZNF865 (zinc finger protein 865; plus strand). Cytogenetic location: 19q13.42.
Variant type: single nucleotide variant.
Coding change: c.2566C>G on transcript NM_001195605.2 (MANE Select); coding-DNA position 2566, C replaced by G.
Protein change: p.Arg856Gly; replaces arginine 856 with glycine.
Molecular consequence: missense variant.
Genome position (GRCh38, 1-based): chr19:55,616,184, C>G. VCF-style: chr19-55616184-C-G. GRCh37 (hg19) VCF-style: chr19-56127550-C-G.
Other names: short protein forms R856G.
Identifiers: ClinVar variation 5009763 (VCV005009763.1).